The following is an entry in ClinVar:

ClinVar aggregate classification (germline): Uncertain significance. Review status: criteria provided, multiple submitters, no conflicts (2 of 4 stars). 3 submissions from 3 submitters: Uncertain significance (3). Last evaluated 2026-01-06.

Conditions:
CEP290-related disorder. Also called: CEP290-related condition; CEP290-related disorders. Identifiers: MedGen CN239314.
Meckel-Gruber syndrome. Also called: DYSENCEPHALIA SPLANCHNOCYSTICA; GRUBER SYNDROME; Dysencephalia splachnocystica. Identifiers: Orphanet 564, MedGen C0265215, MONDO:0018921.
Nephronophthisis. Also called: Juvenile Nephronophthisis. Identifiers: Orphanet 655, MedGen C0687120, MONDO:0019005, HP:0000090.
Joubert syndrome. Also called: Familial aplasia of the vermis; JOUBERT-BOLTSHAUSER SYNDROME. Identifiers: Orphanet 475, MedGen C5979921, MONDO:0018772.
Inborn genetic diseases. Identifiers: MedGen C0950123, MeSH D030342.

Submissions (3):

PreventionGenetics, part of Exact Sciences
Classification: Uncertain significance for CEP290-related condition. Last evaluated: 2026-01-06. Review status: criteria provided, single submitter. Criteria: ACMG Guidelines, 2015. Collection method: clinical testing. Allele origin: germline.
Comment: The CEP290 c.448C>T variant is predicted to result in the amino acid substitution p.Leu150Phe. To our knowledge, this variant has not been reported in the literature or in a large population database, indicating this variant is rare. At this time, the clinical significance of this variant is uncertain due to the absence of conclusive functional and genetic evidence.

Ambry Genetics
Classification: Uncertain significance for Inborn genetic diseases. Last evaluated: 2025-01-08. Review status: criteria provided, single submitter. Criteria: Ambry Variant Classification Scheme 2023. Collection method: clinical testing. Allele origin: germline.

Labcorp Genetics (formerly Invitae), Labcorp
Classification: Uncertain significance for Joubert syndrome; Meckel-Gruber syndrome; Nephronophthisis. Last evaluated: 2022-02-04. Review status: criteria provided, single submitter. Criteria: Invitae Variant Classification Sherloc (09022015). Collection method: clinical testing. Allele origin: germline.
Comment: This sequence change replaces leucine, which is neutral and non-polar, with phenylalanine, which is neutral and non-polar, at codon 150 of the CEP290 protein (p.Leu150Phe). This variant is not present in population databases (gnomAD no frequency). This variant has not been reported in the literature in individuals affected with CEP290-related conditions. Algorithms developed to predict the effect of missense changes on protein structure and function are either unavailable or do not agree on the potential impact of this missense change (SIFT: "Deleterious"; PolyPhen-2: "Probably Damaging"; Align-GVGD: "Class C0"). In summary, the available evidence is currently insufficient to determine the role of this variant in disease. Therefore, it has been classified as a Variant of Uncertain Significance.

NM_025114.4(CEP290):c.448C>T (p.Leu150Phe)

Gene: CEP290 (centrosomal protein 290; minus strand). Cytogenetic location: 12q21.32.
Variant type: single nucleotide variant.
Coding change: c.448C>T on transcript NM_025114.4 (MANE Select); coding-DNA position 448, C replaced by T.
Protein change: p.Leu150Phe; replaces leucine 150 with phenylalanine.
Molecular consequence: missense variant.
Genome position (GRCh38, 1-based): chr12:88,131,212, G>A on the plus strand (C>T on the coding strand, the complement: CEP290 is on the minus strand). VCF-style: chr12-88131212-G-A. GRCh37 (hg19) VCF-style: chr12-88524989-G-A.
Other names: c.448C>T (NM_025114.3); short protein forms L150F.
Identifiers: ClinVar variation 1985703 (VCV001985703.4), dbSNP rs1162631374, ClinGen allele CA385986683.